The following is an entry in ClinVar:

ClinVar aggregate classification (germline): Uncertain significance (1 of 4 stars; one submission).

gnomAD v4.1: 57 of 1,579,024 alleles (0.0036%); highest among the groups gnomAD compares: Admixed American, 0.047%; no homozygotes.

Submission:

Labcorp Genetics (formerly Invitae), Labcorp
Classification: Uncertain significance. Last evaluated: 2024-12-05. Review status: criteria provided, single submitter. Criteria: Invitae Variant Classification Sherloc (09022015). Collection method: clinical testing. Allele origin: germline.
Comment: This sequence change replaces alanine, which is neutral and non-polar, with threonine, which is neutral and polar, at codon 1610 of the CELSR2 protein (p.Ala1610Thr). This variant is present in population databases (rs376445359, gnomAD 0.02%). This variant has not been reported in the literature in individuals affected with CELSR2-related conditions. Invitae Evidence Modeling of protein sequence and biophysical properties (such as structural, functional, and spatial information, amino acid conservation, physicochemical variation, residue mobility, and thermodynamic stability) indicates that this missense variant is not expected to disrupt CELSR2 protein function with a negative predictive value of 80%. In summary, the available evidence is currently insufficient to determine the role of this variant in disease. Therefore, it has been classified as a Variant of Uncertain Significance.

NM_001408.3(CELSR2):c.4828G>A (p.Ala1610Thr)

Gene: CELSR2 (cadherin EGF LAG seven-pass G-type receptor 2; plus strand). Cytogenetic location: 1p13.3.
Variant type: single nucleotide variant.
Coding change: c.4828G>A on transcript NM_001408.3 (MANE Select); coding-DNA position 4828, G replaced by A.
Protein change: p.Ala1610Thr; replaces alanine 1610 with threonine.
Molecular consequence: missense variant.
Genome position (GRCh38, 1-based): chr1:109,263,261, G>A. VCF-style: chr1-109263261-G-A. GRCh37 (hg19) VCF-style: chr1-109805883-G-A.
Other names: short protein forms A1610T.
Identifiers: ClinVar variation 3609247 (VCV003609247.2).